The following is an entry in ClinVar:

NM_018418.5(SPATA7):c.1029-1G>T

Gene: SPATA7 (spermatogenesis associated 7; plus strand). Cytogenetic location: 14q31.3.
Variant type: single nucleotide variant.
Coding change: c.1029-1G>T on transcript NM_018418.5 (MANE Select); the canonical splice acceptor site of the intron before coding-DNA position 1029, G replaced by T.
Molecular consequence: splice acceptor variant.
Genome position (GRCh38, 1-based): chr14:88,431,171, G>T. VCF-style: chr14-88431171-G-T. GRCh37 (hg19) VCF-style: chr14-88897515-G-T.
Other names: NC_000014.8:g.88897515G>T; c.933-1G>T (NM_001040428.4).
Identifiers: ClinVar variation 1307322 (VCV001307322.3), dbSNP rs2140009228, ClinGen allele CA390567549.
Genomic context (GRCh38, chr14:88,431,171, plus strand): 5'-TTGAGTACTTATTGTATGCCAACCACTGTTTTGCTCAACTACTTTAACTTCCTCTTTCTA[G>T]GGCAATGTGTCAGTATTCCCTGAAGCCCCCTTCAACTCGTAAAATCTACTCTGAGTAAGA-3'

ClinVar aggregate classification (germline): Uncertain significance (1 of 4 stars; one submission).

Submissions (2):

GeneDx
Classification: Uncertain significance. Last evaluated: 2019-08-08. Review status: criteria provided, single submitter. Criteria: GeneDx Variant Classification Process June 2021. Collection method: clinical testing. Allele origin: germline. Affected: yes.
Comment: Canonical splice site variant predicted to result in an in-frame deletion of exon 9; Not observed in large population cohorts (Lek et al., 2016); Has not been previously published as pathogenic or benign to our knowledge

Dr. Peter K. Rogan Lab, Western University
No classification provided (evidence only). Condition: Papillary renal cell carcinoma type 1. Review status: no classification provided. Collection method: in vitro. Allele origin: not applicable. Functional consequence: skipped exon. Not counted in ClinVar's aggregate classification.